The following is an entry in ClinVar:

ClinVar aggregate classification (germline): Uncertain significance (1 of 4 stars; one submission).

Conditions:
Nephronophthisis 9 (NPHP9). Identifiers: Orphanet 655, MedGen C3151188, MONDO:0013444, OMIM 613824.

gnomAD v4.1: 1 of 1,613,908 alleles (0.000062%); highest among the groups gnomAD compares: Non-Finnish European, 0.000085%; no homozygotes.

Submission:

Labcorp Genetics (formerly Invitae), Labcorp
Classification: Uncertain significance for Nephronophthisis 9. Last evaluated: 2025-05-10. Review status: criteria provided, single submitter. Criteria: Invitae Variant Classification Sherloc (09022015). Collection method: clinical testing. Allele origin: germline.
Comment: This sequence change replaces glycine, which is neutral and non-polar, with serine, which is neutral and polar, at codon 318 of the NEK8 protein (p.Gly318Ser). This variant is not present in population databases (gnomAD no frequency). This variant has not been reported in the literature in individuals affected with NEK8-related conditions. An algorithm developed to predict the effect of missense changes on protein structure and function (PolyPhen-2) suggests that this variant is likely to be disruptive. In summary, the available evidence is currently insufficient to determine the role of this variant in disease. Therefore, it has been classified as a Variant of Uncertain Significance.

NM_178170.3(NEK8):c.952G>A (p.Gly318Ser)

Gene: NEK8 (NIMA related kinase 8; plus strand). Cytogenetic location: 17q11.2.
Variant type: single nucleotide variant.
Coding change: c.952G>A on transcript NM_178170.3 (MANE Select); coding-DNA position 952, G replaced by A.
Protein change: p.Gly318Ser; replaces glycine 318 with serine.
Molecular consequence: missense variant.
Genome position (GRCh38, 1-based): chr17:28,737,881, G>A. VCF-style: chr17-28737881-G-A. GRCh37 (hg19) VCF-style: chr17-27064899-G-A.
Other names: short protein forms G318S.
Identifiers: ClinVar variation 4740430 (VCV004740430.1).